The following is an entry in ClinVar:

ClinVar aggregate classification (germline): Uncertain significance (1 of 4 stars; one submission).

Conditions:
Polycystic kidney disease, adult type (PKD1). Also called: Polycystic Kidney, Autosomal Dominant; Polycystic Kidney Disease 1, Autosomal Dominant; Polycystic kidney disease 1; Polycystic kidney disease 1, severe; POLYCYSTIC KIDNEY DISEASE 1 WITH OR WITHOUT POLYCYSTIC LIVER DISEASE; POLYCYSTIC KIDNEY DISEASE, ADULT, TYPE I. Identifiers: MedGen C3149841, MONDO:0008263, OMIM 173900.

Submission:

MVZ Medizinische Genetik Mainz
Classification: Uncertain significance for Polycystic kidney disease, adult type. Last evaluated: 2025-07-09. Review status: criteria provided, single submitter. Criteria: UK Practice Guidelines For Variant Classification V4 01 2020. Collection method: clinical testing. Allele origin: germline. Inheritance: Autosomal dominant inheritance. Affected: yes. Observed: 1 variant allele.
Comment: ACMG Criteria: PM2_SUP,PP3,PP4

NM_001009944.3(PKD1):c.7580T>A (p.Val2527Asp)

Gene: PKD1 (polycystin 1, transient receptor potential channel interacting; minus strand). Cytogenetic location: 16p13.3.
Variant type: single nucleotide variant.
Coding change: c.7580T>A on transcript NM_001009944.3 (MANE Select); coding-DNA position 7580, T replaced by A.
Protein change: p.Val2527Asp; replaces valine 2527 with aspartic acid.
Molecular consequence: missense variant.
Genome position (GRCh38, 1-based): chr16:2,106,214, A>T on the plus strand (T>A on the coding strand, the complement: PKD1 is on the minus strand). VCF-style: chr16-2106214-A-T. GRCh37 (hg19) VCF-style: chr16-2156215-A-T.
Other names: c.7580T>A, p.Val2527Asp (NM_000296.4); short protein forms V2527D.
Identifiers: ClinVar variation 4072220 (VCV004072220.1).
Genomic context (GRCh38, chr16:2,106,214, plus strand): 5'-AAGTGTGGCCTGAAACCCGGGGGCAGCACGGCTCCGTAGCTGGAGAGGCTGCCCTTGTAG[A>T]CACAGAACTCCTCGCAGTGGCCCTGGCGACAGCGCCGCAGCAGCAGGGCGTACACCAGCG-3'
Protein context (NP_001009944.3, residues 2517-2537): CRQGHCEEFC[Val2527Asp]YKGSLSSYGA